The following is an entry in ClinVar:

NM_198578.4(LRRK2):c.181_198del (p.His61_Ile66del)

Gene: LRRK2 (leucine rich repeat kinase 2; plus strand). Cytogenetic location: 12q12.
Variant type: Deletion.
Coding change: c.181_198del on transcript NM_198578.4 (MANE Select); coding-DNA positions 181 to 198, 18 bases deleted (CATGTGCCTCTGTTGATC).
Protein change: p.His61_Ile66del.
Molecular consequence: inframe deletion.
Genome position (GRCh38, 1-based): chr12:40,225,584-40,225,601, CATGTGCCTCTGTTGATC deleted; deleting any 18 consecutive bases within chr12:40,225,581-40,225,601 gives the same sequence; the c. name uses the placement nearest the transcript's 3' end. VCF-style (leftmost placement, unchanged base first): chr12-40225580-TATCCATGTGCCTCTGTTG-T. GRCh37 (hg19) VCF-style: chr12-40619382-TATCCATGTGCCTCTGTTG-T.
Identifiers: ClinVar variation 2762890 (VCV002762890.3), dbSNP rs762584163, ClinGen allele CA6513010.

ClinVar aggregate classification (germline): Uncertain significance (1 of 4 stars; one submission).

Conditions:
Autosomal dominant Parkinson disease 8. Also called: Parkinson disease 8, susceptibility to; LRRK2-Related Parkinson Disease; Parkinson disease 8. Identifiers: Orphanet 411602, MedGen C1846862, MONDO:0011764, OMIM 607060.

Submission:

Labcorp Genetics (formerly Invitae), Labcorp
Classification: Uncertain significance for Autosomal dominant Parkinson disease 8. Last evaluated: 2023-03-31. Review status: criteria provided, single submitter. Criteria: Invitae Variant Classification Sherloc (09022015). Collection method: clinical testing. Allele origin: germline.
Comment: This variant, c.181_198del, results in the deletion of 6 amino acid(s) of the LRRK2 protein (p.His61_Ile66del), but otherwise preserves the integrity of the reading frame. This variant is present in population databases (rs762584163, gnomAD 0.05%). This variant has not been reported in the literature in individuals affected with LRRK2-related conditions. Experimental studies and prediction algorithms are not available or were not evaluated, and the functional significance of this variant is currently unknown. In summary, the available evidence is currently insufficient to determine the role of this variant in disease. Therefore, it has been classified as a Variant of Uncertain Significance.